The following is an entry in ClinVar:

ClinVar aggregate classification (germline): Uncertain significance. Review status: criteria provided, multiple submitters, no conflicts (2 of 4 stars). 2 submissions from 2 submitters: Uncertain significance (2). Last evaluated 2025-11-24.

Conditions:
Hereditary cancer-predisposing syndrome. Also called: Neoplastic Syndromes, Hereditary; Hereditary Cancer Syndrome; Tumor predisposition; Hereditary neoplastic syndrome. Identifiers: Orphanet 140162, MedGen C0027672, MeSH D009386, MONDO:0015356.
Birt-Hogg-Dube syndrome. Also called: Birt Hogg Dubé syndrome. Identifiers: Orphanet 122, MedGen C0346010, MONDO:0800444.

Allele frequency attached by ClinVar (database versions not stated): gnomAD exomes below 0.00001; TOPMed below 0.00001.
gnomAD v4.1: 2 of 1,614,156 alleles (0.00012%); highest among the groups gnomAD compares: Non-Finnish European, 0.00017%; no homozygotes.

Submissions (2):

Labcorp Genetics (formerly Invitae), Labcorp
Classification: Uncertain significance for Birt-Hogg-Dube syndrome. Last evaluated: 2025-11-24. Review status: criteria provided, single submitter. Criteria: Invitae Variant Classification Sherloc (09022015). Collection method: clinical testing. Allele origin: germline.
Comment: This sequence change replaces methionine, which is neutral and non-polar, with threonine, which is neutral and polar, at codon 58 of the FLCN protein (p.Met58Thr). This variant is not present in population databases (gnomAD no frequency). This variant has not been reported in the literature in individuals affected with FLCN-related conditions. ClinVar contains an entry for this variant (Variation ID: 2566327). An algorithm developed to predict the effect of missense changes on protein structure and function (PolyPhen-2) suggests that this variant is likely to be tolerated. In summary, the available evidence is currently insufficient to determine the role of this variant in disease. Therefore, it has been classified as a Variant of Uncertain Significance.

Ambry Genetics
Classification: Uncertain significance for Hereditary cancer-predisposing syndrome. Last evaluated: 2023-05-04. Review status: criteria provided, single submitter. Criteria: Ambry Variant Classification Scheme 2023. Collection method: clinical testing. Allele origin: germline.
Comment: The p.M58T variant (also known as c.173T>C), located in coding exon 1 of the FLCN gene, results from a T to C substitution at nucleotide position 173. The methionine at codon 58 is replaced by threonine, an amino acid with similar properties. This amino acid position is conserved. In addition, this alteration is predicted to be tolerated by in silico analysis. Since supporting evidence is limited at this time, the clinical significance of this alteration remains unclear.

NM_144997.7(FLCN):c.173T>C (p.Met58Thr)

Gene: FLCN (folliculin; minus strand). Cytogenetic location: 17p11.2.
Variant type: single nucleotide variant.
Coding change: c.173T>C on transcript NM_144997.7 (MANE Select); coding-DNA position 173, T replaced by C.
Protein change: p.Met58Thr; replaces methionine 58 with threonine.
Molecular consequence: missense variant.
Genome position (GRCh38, 1-based): chr17:17,227,965, A>G on the plus strand (T>C on the coding strand, the complement: FLCN is on the minus strand). VCF-style: chr17-17227965-A-G. GRCh37 (hg19) VCF-style: chr17-17131279-A-G.
Other names: c.173T>C, p.Met58Thr (NM_001353229.2, NM_001353231.2, NM_001353230.2 and 1 more transcripts); short protein forms M58T.
Identifiers: ClinVar variation 2566327 (VCV002566327.5), dbSNP rs2047306689, ClinGen allele CA398535171.